The following is an entry in ClinVar:

NM_000275.3(OCA2):c.943C>T (p.Pro315Ser)

Gene: OCA2 (OCA2 melanosomal transmembrane protein; minus strand). Cytogenetic location: 15q13.1.
Variant type: single nucleotide variant.
Coding change: c.943C>T on transcript NM_000275.3 (MANE Select); coding-DNA position 943, C replaced by T.
Protein change: p.Pro315Ser; replaces proline 315 with serine.
Molecular consequence: missense variant.
Genome position (GRCh38, 1-based): chr15:28,014,877, G>A on the plus strand (C>T on the coding strand, the complement: OCA2 is on the minus strand). VCF-style: chr15-28014877-G-A. GRCh37 (hg19) VCF-style: chr15-28260023-G-A.
Other names: c.943C>T, p.Pro315Ser (NM_001300984.2); short protein forms P315S.
Identifiers: ClinVar variation 1483719 (VCV001483719.4), dbSNP rs201481836, ClinGen allele CA7439286.

ClinVar aggregate classification (germline): Uncertain significance. Review status: criteria provided, multiple submitters, no conflicts (2 of 4 stars). 2 submissions from 2 submitters: Uncertain significance (2). Last evaluated 2021-11-10.

Conditions:
Tyrosinase-positive oculocutaneous albinism (OCA2). Also called: ALBINISM II; Oculocutaneous albinism type 2; Albinism, oculocutaneous, type II. Identifiers: Orphanet 79432, MedGen C0268495, MONDO:0008746, OMIM 203200.
SKIN/HAIR/EYE PIGMENTATION 1, BLUE/NONBLUE EYES (SHEP1). Also called: BROWN EYE COLOR 2; EYE COLOR 3; EYE COLOR, BLUE/NONBLUE; EYE COLOR, BROWN/BLUE; HAIR COLOR 3; SKIN/HAIR/EYE PIGMENTATION 1, BLOND/BROWN HAIR. Identifiers: MedGen C1856895, OMIM 227220.

Allele frequency attached by ClinVar (database versions not stated): gnomAD 0.00001 and 0.00002; TOPMed 0.00001; ExAC 0.00002; gnomAD exomes 0.00002; 1000 Genomes Project 30x 0.00016; 1000 Genomes Project 0.00020.
gnomAD v4.1: 68 of 1,614,112 alleles (0.0042%); highest among the groups gnomAD compares: Admixed American, 0.0067%; no homozygotes.

Submissions (2):

Labcorp Genetics (formerly Invitae), Labcorp
Classification: Uncertain significance. Last evaluated: 2021-11-10. Review status: criteria provided, single submitter. Criteria: Invitae Variant Classification Sherloc (09022015). Collection method: clinical testing. Allele origin: germline.
Comment: This sequence change replaces proline, which is neutral and non-polar, with serine, which is neutral and polar, at codon 315 of the OCA2 protein (p.Pro315Ser). This variant is present in population databases (rs201481836, gnomAD 0.004%). This missense change has been observed in individual(s) with albinism (PMID: 21541274). Advanced modeling of protein sequence and biophysical properties (such as structural, functional, and spatial information, amino acid conservation, physicochemical variation, residue mobility, and thermodynamic stability) performed at Invitae indicates that this missense variant is expected to disrupt OCA2 protein function. In summary, the available evidence is currently insufficient to determine the role of this variant in disease. Therefore, it has been classified as a Variant of Uncertain Significance.

Fulgent Genetics
Classification: Uncertain significance for Tyrosinase-positive oculocutaneous albinism; SKIN/HAIR/EYE PIGMENTATION 1, BLUE/NONBLUE EYES. Last evaluated: 2021-09-08. Review status: criteria provided, single submitter. Criteria: ACMG Guidelines, 2015. Collection method: clinical testing. Allele origin: unknown.

Literature cited by the submitters: PubMed 21541274 (cited by Labcorp Genetics (formerly Invitae), Labcorp).